The following is an entry in ClinVar:

ClinVar aggregate classification (germline): Conflicting classifications of pathogenicity. Review status: criteria provided, conflicting classifications (1 of 4 stars). 2 submissions from 2 submitters: Uncertain significance (1); Likely benign (1). Last evaluated 2025-06-12.

Conditions:
DLX6-related disorder. Also called: DLX6-related condition.

Allele frequency attached by ClinVar (database versions not stated): ESP Exome Variant Server 0.00040; ExAC 0.00045.
gnomAD v4.1: 273 of 1,385,314 alleles (0.02%); highest among the groups gnomAD compares: Non-Finnish European, 0.0033%; 2 homozygotes.

Submissions (2):

PreventionGenetics, part of Exact Sciences
Classification: Likely benign for DLX6-related condition. Last evaluated: 2025-06-12. Review status: criteria provided, single submitter. Criteria: ACMG Guidelines, 2015. Collection method: clinical testing. Allele origin: germline.
Comment: This variant is classified as likely benign based on ACMG/AMP sequence variant interpretation guidelines (Richards et al. 2015 PMID: 25741868, with internal and published modifications).

Ambry Genetics
Classification: Uncertain significance. Last evaluated: 2022-05-25. Review status: criteria provided, single submitter. Criteria: Ambry Variant Classification Scheme 2023. Collection method: clinical testing. Allele origin: germline.

NM_005222.4(DLX6):c.430G>C (p.Asp144His)

Genes: DLX6 (distal-less homeobox 6; plus strand), DLX6-AS1 (DLX6 antisense RNA 1; minus strand). Cytogenetic location: 7q21.3.
Variant type: single nucleotide variant.
Coding change: c.430G>C on transcript NM_005222.4 (MANE Select); coding-DNA position 430, G replaced by C.
Protein change: p.Asp144His; replaces aspartic acid 144 with histidine.
Molecular consequence: missense variant.
Genome position (GRCh38, 1-based): chr7:97,006,407, G>C. VCF-style: chr7-97006407-G-C. GRCh37 (hg19) VCF-style: chr7-96635719-G-C.
Other names: short protein forms D144H.
Identifiers: ClinVar variation 3082970 (VCV003082970.2), dbSNP rs201763801, ClinGen allele CA4353779.